The following is an entry in ClinVar:

ClinVar aggregate classification (germline): Uncertain significance (1 of 4 stars; one submission).

Conditions:
Hereditary breast ovarian cancer syndrome. Also called: BRCA1- and BRCA2-Associated Hereditary Breast and Ovarian Cancer; Hereditary breast and ovarian cancer syndrome (HBOC); Hereditary breast and/or ovarian cancer syndrome; Hereditary breast and ovarian cancer syndrome; Hereditary breast and ovarian cancer; Breast and ovarian cancer. Identifiers: Orphanet 145, MedGen C0677776, MeSH D061325, MONDO:0003582. Disease mechanism: loss of function.

Submission:

Labcorp Genetics (formerly Invitae), Labcorp
Classification: Uncertain significance for Hereditary breast ovarian cancer syndrome. Last evaluated: 2022-10-18. Review status: criteria provided, single submitter. Criteria: Invitae Variant Classification Sherloc (09022015). Collection method: clinical testing. Allele origin: germline.
Comment: In summary, the available evidence is currently insufficient to determine the role of this variant in disease. Therefore, it has been classified as a Variant of Uncertain Significance. Advanced modeling of protein sequence and biophysical properties (such as structural, functional, and spatial information, amino acid conservation, physicochemical variation, residue mobility, and thermodynamic stability) performed at Invitae indicates that this missense variant is not expected to disrupt BRCA2 protein function. This variant has not been reported in the literature in individuals affected with BRCA2-related conditions. This variant is not present in population databases (gnomAD no frequency). This sequence change replaces asparagine, which is neutral and polar, with isoleucine, which is neutral and non-polar, at codon 257 of the BRCA2 protein (p.Asn257Ile).

NM_000059.4(BRCA2):c.770A>T (p.Asn257Ile)

Gene: BRCA2 (BRCA2 DNA repair associated; plus strand). Cytogenetic location: 13q13.1.
Variant type: single nucleotide variant.
Coding change: c.770A>T on transcript NM_000059.4 (MANE Select); coding-DNA position 770, A replaced by T.
Protein change: p.Asn257Ile; replaces asparagine 257 with isoleucine.
Molecular consequence: missense variant.
Genome position (GRCh38, 1-based): chr13:32,331,007, A>T. VCF-style: chr13-32331007-A-T. GRCh37 (hg19) VCF-style: chr13-32905144-A-T.
Other names: c.770A>T, p.Asn257Ile (NM_001406719.1, NM_001406720.1, NM_001406721.1); c.401A>T, p.Asn134Ile (NM_001406722.1); short protein forms N134I, N257I.
Identifiers: ClinVar variation 1721440 (VCV001721440.6), dbSNP rs587782357, ClinGen allele CA387760171.